The following is an entry in ClinVar:

NM_000642.3(AGL):c.955C>T (p.Gln319Ter)

Gene: AGL (amylo-alpha-1,6-glucosidase and 4-alpha-glucanotransferase; plus strand). Cytogenetic location: 1p21.2.
Variant type: single nucleotide variant.
Coding change: c.955C>T on transcript NM_000642.3 (MANE Select); coding-DNA position 955, C replaced by T.
Protein change: p.Gln319Ter; replaces glutamine 319 with a stop codon.
Molecular consequence: nonsense.
Genome position (GRCh38, 1-based): chr1:99,870,866, C>T. VCF-style: chr1-99870866-C-T. GRCh37 (hg19) VCF-style: chr1-100336422-C-T.
Other names: c.955C>T, p.Gln319Ter (NM_000028.3, NM_000643.3, NM_000644.3 and 3 more transcripts); c.907C>T, p.Gln303Ter (NM_000646.3); c.751C>T, p.Gln251Ter (NM_001425328.1, NM_001425329.1); c.577C>T, p.Gln193Ter (NM_001425332.1); short protein forms Q303*, Q319*, Q193*, Q251*.
Identifiers: ClinVar variation 1071501 (VCV001071501.7), dbSNP rs753488821, ClinGen allele CA341341913.

ClinVar aggregate classification (germline): Pathogenic (1 of 4 stars; one submission).

Conditions:
Glycogen storage disease type III (GSD3). Also called: Cori disease; FORBES DISEASE. Identifiers: Orphanet 366, MedGen C0017922, MONDO:0009291, OMIM 232400.

Allele frequency attached by ClinVar (database versions not stated): gnomAD exomes below 0.00001.
gnomAD v4.1: 1 of 1,558,532 alleles (0.000064%); highest among the groups gnomAD compares: African/African-American, 0.0014%; no homozygotes.

Submission:

Labcorp Genetics (formerly Invitae), Labcorp
Classification: Pathogenic for Glycogen storage disease type III. Last evaluated: 2020-10-29. Review status: criteria provided, single submitter. Criteria: Invitae Variant Classification Sherloc (09022015). Collection method: clinical testing. Allele origin: germline.
Comment: For these reasons, this variant has been classified as Pathogenic. This variant has not been reported in the literature in individuals with AGL-related conditions. This variant is not present in population databases (ExAC no frequency). This sequence change creates a premature translational stop signal (p.Gln319*) in the AGL gene. It is expected to result in an absent or disrupted protein product. Loss-of-function variants in AGL are known to be pathogenic (PMID: 19299494).

Literature cited by the submitters: PubMed 19299494.